The following is an entry in ClinVar:

NM_001130969.3(NSMF):c.923-192C>G

Gene: NSMF (NMDA receptor synaptonuclear signaling and neuronal migration factor; minus strand). Cytogenetic location: 9q34.3.
Variant type: single nucleotide variant.
Coding change: c.923-192C>G on transcript NM_001130969.3 (MANE Select); 192 bases into the intron before coding-DNA position 923, C replaced by G.
Molecular consequence: intron variant.
Genome position (GRCh38, 1-based): chr9:137,453,372, G>C on the plus strand (C>G on the coding strand, the complement: NSMF is on the minus strand). VCF-style: chr9-137453372-G-C. GRCh37 (hg19) VCF-style: chr9-140347824-G-C.
Other names: c.848-192C>G (NM_001130971.2); c.917-192C>G (NM_015537.5); c.854-192C>G (NM_001130970.2); c.833-192C>G (NM_001178064.2).
Identifiers: ClinVar variation 676994 (VCV000676994.2), dbSNP rs79824528, ClinGen allele CA15599767.

ClinVar aggregate classification (germline): Benign. Review status: criteria provided, multiple submitters, no conflicts (2 of 4 stars). 2 submissions from 2 submitters: Benign (2). Last evaluated 2018-06-19.

Allele frequency attached by ClinVar (database versions not stated): gnomAD 0.08217 and 0.08235; TOPMed 0.08501; 1000 Genomes Project 30x 0.10665; 1000 Genomes Project 0.10723.
gnomAD v4.1: 41,951 of 742,780 alleles (5.6%); highest among the groups gnomAD compares: African/African-American, 18%; 2,006 homozygotes.

Submissions (2):

GeneDx
Classification: Benign. Last evaluated: 2018-06-19. Review status: criteria provided, single submitter. Criteria: GeneDx Variant Classification (06012015). Collection method: clinical testing. Allele origin: germline. Affected: yes.
Comment: This variant is considered likely benign or benign based on one or more of the following criteria: it is a conservative change, it occurs at a poorly conserved position in the protein, it is predicted to be benign by multiple in silico algorithms, and/or has population frequency not consistent with disease.

Breakthrough Genomics
Classification: Benign. Review status: criteria provided, single submitter. Criteria: ACMG Guidelines, 2015. Collection method: not provided. Allele origin: germline. Inheritance: Autosomal dominant inheritance. Affected: yes.